The following is an entry in ClinVar:

ClinVar aggregate classification (germline): Benign/Likely benign. Review status: criteria provided, multiple submitters, no conflicts (2 of 4 stars). 11 submissions from 11 submitters: Benign (3); Likely benign (5). 3 of the submissions do not count toward it. Last evaluated 2026-04-01.

Conditions:
VPS13A-related neurodegenerative disease. Also called: VPS13A Disease; Choreaacanthocytosis; Choreoacanthocytosis; Chorea-acanthocytosis; ACANTHOCYTOSIS WITH NEUROLOGIC DISORDER; LEVINE-CRITCHLEY SYNDROME. Identifiers: Orphanet 2388, MedGen C0393576, MONDO:0008695, OMIM 200150.

Allele frequency attached by ClinVar (database versions not stated): 1000 Genomes Project 30x 0.00203; 1000 Genomes Project 0.00260; TOPMed 0.00393; gnomAD 0.00410 and 0.00417; gnomAD exomes 0.00445; ExAC 0.00468; ESP Exome Variant Server 0.00532.
gnomAD v4.1: 8,909 of 1,601,272 alleles (0.56%); highest among the groups gnomAD compares: Non-Finnish European, 0.66%; 28 homozygotes.

Submissions (11):

CeGaT Center for Human Genetics Tuebingen
Classification: Likely benign. Last evaluated: 2026-04-01. Review status: criteria provided, single submitter. Criteria: CeGaT Center For Human Genetics Tuebingen Variant Classification Criteria Version 2. Collection method: clinical testing. Allele origin: germline. Affected: yes. Observed: 13 variant alleles.
Comment: VPS13A: BP4, BS2

Labcorp Genetics (formerly Invitae), Labcorp
Classification: Benign. Last evaluated: 2026-02-03. Review status: criteria provided, single submitter. Criteria: Invitae Variant Classification Sherloc (09022015). Collection method: clinical testing. Allele origin: germline.

ARUP Laboratories, Molecular Genetics and Genomics, ARUP Laboratories
Classification: Benign for VPS13A-related neurodegenerative disease. Last evaluated: 2025-03-26. Review status: criteria provided, single submitter. Criteria: ARUP Molecular Germline Variant Investigation Process 2024. Collection method: clinical testing. Allele origin: germline.

Blueprint Genetics
Classification: Likely benign. Last evaluated: 2024-11-27. Review status: criteria provided, single submitter. Criteria: ACMG Guidelines, 2015. Collection method: clinical testing. Allele origin: germline.

Mayo Clinic Laboratories, Mayo Clinic
Classification: Benign. Last evaluated: 2024-05-16. Review status: criteria provided, single submitter. Criteria: ACMG Guidelines, 2015. Collection method: clinical testing. Allele origin: germline. Observed: 4 variant alleles.
Comment: BS1, BS2, BP4, BP7

Fulgent Genetics
Classification: Likely benign for VPS13A-related neurodegenerative disease. Last evaluated: 2021-10-05. Review status: criteria provided, single submitter. Criteria: ACMG Guidelines, 2015. Collection method: clinical testing. Allele origin: unknown.

GeneDx
Classification: Likely benign. Last evaluated: 2020-07-14. Review status: criteria provided, single submitter. Criteria: GeneDx Variant Classification Process June 2021. Collection method: clinical testing. Allele origin: germline. Affected: yes.

Illumina Laboratory Services, Illumina
Classification: Likely benign for VPS13A-related neurodegenerative disease. Last evaluated: 2018-01-13. Review status: criteria provided, single submitter. Criteria: ICSL Variant Classification Criteria 13 December 2019. Collection method: clinical testing. Allele origin: germline.
Comment: This variant was observed in the ICSL laboratory as part of a predisposition screen in an ostensibly healthy population. It had not been previously curated by ICSL or reported in the Human Gene Mutation Database (HGMD: prior to June 1st, 2018), and was therefore a candidate for classification through an automated scoring system. Utilizing variant allele frequency, disease prevalence and penetrance estimates, and inheritance mode, an automated score was calculated to assess if this variant is too frequent to cause the disease. Based on the score and internal cut-off values, a variant classified as likely benign is not then subjected to further curation. The score for this variant resulted in a classification of likely benign for this disease.

Natera, Inc.
Classification: Benign for Choreaacanthocytosis. Last evaluated: 2019-11-11. Review status: no assertion criteria provided. Collection method: clinical testing. Allele origin: germline. Not counted in ClinVar's aggregate classification.

Diagnostic Laboratory, Department of Genetics, University Medical Center Groningen
Classification: Likely benign for VPS13A-related neurodegenerative disease. Review status: no assertion criteria provided. Collection method: clinical testing. Allele origin: germline. Affected: yes. Study: VKGL Data-share Consensus. Not counted in ClinVar's aggregate classification.

Genome Diagnostics Laboratory, Amsterdam University Medical Center
Classification: Benign. Review status: no assertion criteria provided. Collection method: clinical testing. Allele origin: germline. Affected: yes. Study: VKGL Data-share Consensus. Not counted in ClinVar's aggregate classification.

NM_033305.3(VPS13A):c.2037+8C>A

Gene: VPS13A (vacuolar protein sorting 13 homolog A; plus strand). Cytogenetic location: 9q21.2.
Variant type: single nucleotide variant.
Coding change: c.2037+8C>A on transcript NM_033305.3 (MANE Select); 8 bases into the intron after coding-DNA position 2037, C replaced by A.
Molecular consequence: intron variant.
Genome position (GRCh38, 1-based): chr9:77,247,403, C>A. VCF-style: chr9-77247403-C-A. GRCh37 (hg19) VCF-style: chr9-79862319-C-A.
Other names: p.?; c.2037+8C>A (NM_001018037.2, NM_015186.4, NM_001018038.3).
Identifiers: ClinVar variation 367360 (VCV000367360.65), dbSNP rs41289961, ClinGen allele CA5091830.